The following is an entry in ClinVar:

NM_001105206.3(LAMA4):c.2308G>T (p.Asp770Tyr)

Gene: LAMA4 (laminin subunit alpha 4; minus strand). Cytogenetic location: 6q21.
Variant type: single nucleotide variant.
Coding change: c.2308G>T on transcript NM_001105206.3 (MANE Select); coding-DNA position 2308, G replaced by T.
Protein change: p.Asp770Tyr; replaces aspartic acid 770 with tyrosine.
Molecular consequence: missense variant.
Genome position (GRCh38, 1-based): chr6:112,148,202, C>A on the plus strand (G>T on the coding strand, the complement: LAMA4 is on the minus strand). VCF-style: chr6-112148202-C-A. GRCh37 (hg19) VCF-style: chr6-112469404-C-A.
Other names: c.2287G>T, p.Asp763Tyr (NM_001105207.3, NM_002290.5); short protein forms D763Y, D770Y.
Identifiers: ClinVar variation 3706233 (VCV003706233.3).
Genomic context (GRCh38, chr6:112,148,202, plus strand): 5'-ATTTCTAAGTGATACCTGCATCCCTAGCAGAGTTCACTGCAGTGTTGTAAGCAGAAGAGT[C>A]AAAATGTTGAAGATTCTGTGACCAGTTGGTTAGATTGTTGGCCATGGGGGCAGTGGCCTG-3'
Protein context (NP_001098676.2, residues 760-780): TNWSQNLQHF[Asp770Tyr]SSAYNTAVNS

ClinVar aggregate classification (germline): Uncertain significance. Review status: criteria provided, multiple submitters, no conflicts (2 of 4 stars). 2 submissions from 2 submitters: Uncertain significance (2). Last evaluated 2025-02-28.

Conditions:
Dilated cardiomyopathy 1JJ (CMD1JJ). Identifiers: Orphanet 154, MedGen C3808935, MONDO:0014095, OMIM 615235.
Cardiovascular phenotype. Identifiers: MedGen CN230736.

gnomAD v4.1: 27 of 1,614,040 alleles (0.0017%); highest among the groups gnomAD compares: Admixed American, 0.0033%; no homozygotes.

Submissions (2):

Ambry Genetics
Classification: Uncertain significance for Cardiovascular phenotype. Last evaluated: 2025-02-28. Review status: criteria provided, single submitter. Criteria: Ambry Variant Classification Scheme 2023. Collection method: clinical testing. Allele origin: germline.
Comment: The p.D763Y variant (also known as c.2287G>T), located in coding exon 17 of the LAMA4 gene, results from a G to T substitution at nucleotide position 2287. The aspartic acid at codon 763 is replaced by tyrosine, an amino acid with highly dissimilar properties. This amino acid position is well conserved in available vertebrate species. In addition, the in silico prediction for this alteration is inconclusive. The evidence for this gene-disease relationship is limited; therefore, the clinical significance of this alteration is unclear.

Labcorp Genetics (formerly Invitae), Labcorp
Classification: Uncertain significance for Dilated cardiomyopathy 1JJ. Last evaluated: 2024-07-27. Review status: criteria provided, single submitter. Criteria: Invitae Variant Classification Sherloc (09022015). Collection method: clinical testing. Allele origin: germline.
Comment: This sequence change replaces aspartic acid, which is acidic and polar, with tyrosine, which is neutral and polar, at codon 763 of the LAMA4 protein (p.Asp763Tyr). This variant is present in population databases (rs370369688, gnomAD 0.003%). This variant has not been reported in the literature in individuals affected with LAMA4-related conditions. An algorithm developed to predict the effect of missense changes on protein structure and function (PolyPhen-2) suggests that this variant is likely to be disruptive. In summary, the available evidence is currently insufficient to determine the role of this variant in disease. Therefore, it has been classified as a Variant of Uncertain Significance.